The following is an entry in ClinVar:

NM_014915.3(ANKRD26):c.4591A>C (p.Lys1531Gln)

Gene: ANKRD26 (ankyrin repeat domain containing 26; minus strand). Cytogenetic location: 10p12.1.
Variant type: single nucleotide variant.
Coding change: c.4591A>C on transcript NM_014915.3 (MANE Select); coding-DNA position 4591, A replaced by C.
Protein change: p.Lys1531Gln; replaces lysine 1531 with glutamine.
Molecular consequence: missense variant.
Genome position (GRCh38, 1-based): chr10:27,014,627, T>G on the plus strand (A>C on the coding strand, the complement: ANKRD26 is on the minus strand). VCF-style: chr10-27014627-T-G. GRCh37 (hg19) VCF-style: chr10-27303556-T-G.
Other names: c.4588A>C, p.Lys1530Gln (NM_001256053.2); short protein forms K1530Q, K1531Q.
Identifiers: ClinVar variation 3870127 (VCV003870127.1).

ClinVar aggregate classification (germline): Uncertain significance (1 of 4 stars; one submission).

Conditions:
Inborn genetic diseases. Identifiers: MedGen C0950123, MeSH D030342.

gnomAD v4.1: 4 of 1,613,188 alleles (0.00025%); highest among the groups gnomAD compares: Non-Finnish European, 0.00034%; no homozygotes.

Submission:

Ambry Genetics
Classification: Uncertain significance for Inborn genetic diseases. Last evaluated: 2025-01-08. Review status: criteria provided, single submitter. Criteria: Ambry Variant Classification Scheme 2023. Collection method: clinical testing. Allele origin: germline.
Comment: The p.K1531Q variant (also known as c.4591A>C), located in coding exon 31 of the ANKRD26 gene, results from an A to C substitution at nucleotide position 4591. The lysine at codon 1531 is replaced by glutamine, an amino acid with similar properties. This amino acid position is conserved. In addition, this alteration is predicted to be tolerated by in silico analysis. Based on the available evidence, the clinical significance of this variant remains unclear.